The following is an entry in ClinVar:

ClinVar aggregate classification (germline): Uncertain significance. Review status: criteria provided, multiple submitters, no conflicts (2 of 4 stars). 3 submissions from 3 submitters: Uncertain significance (3). Last evaluated 2026-07-17.

Conditions:
Catecholaminergic polymorphic ventricular tachycardia 1. Also called: VENTRICULAR TACHYCARDIA, CATECHOLAMINERGIC POLYMORPHIC, 1, WITH OR WITHOUT ATRIAL DYSFUNCTION AND/OR DILATED CARDIOMYOPATHY; RYR2-Related Catecholaminergic Polymorphic Ventricular Tachycardia; VENTRICULAR TACHYCARDIA, STRESS-INDUCED POLYMORPHIC 1. Identifiers: Orphanet 3286, MedGen C1631597, MONDO:0011484, OMIM 604772.
Cardiovascular phenotype. Identifiers: MedGen CN230736.

gnomAD v4.1: 1 of 1,450,806 alleles (0.000069%); highest among the groups gnomAD compares: Non-Finnish European, 0.000095%; no homozygotes.

Submissions (3):

GeneDx
Classification: Uncertain significance. Last evaluated: 2026-07-17. Review status: criteria provided, single submitter. Criteria: GeneDx Variant Classification Process June 2021. Collection method: clinical testing. Allele origin: germline.
Comment: Not observed at significant frequency in large population cohorts (gnomAD); In silico analysis supports that this missense variant has a deleterious effect on protein structure/function; Not located in one of the three hot-spot regions of the RYR2 gene, where the majority of pathogenic missense variants occur (PMID: 19926015); Has not been previously published as pathogenic or benign to our knowledge; This variant is associated with the following publications: (PMID: 19926015)

Ambry Genetics
Classification: Uncertain significance for Cardiovascular phenotype. Last evaluated: 2024-12-31. Review status: criteria provided, single submitter. Criteria: Ambry Variant Classification Scheme 2023. Collection method: clinical testing. Allele origin: germline.
Comment: The p.I594T variant (also known as c.1781T>C), located in coding exon 18 of the RYR2 gene, results from a T to C substitution at nucleotide position 1781. The isoleucine at codon 594 is replaced by threonine, an amino acid with similar properties. This amino acid position is highly conserved in available vertebrate species. In addition, this alteration is predicted to be deleterious by in silico analysis. Based on the available evidence, the clinical significance of this variant remains unclear.

Labcorp Genetics (formerly Invitae), Labcorp
Classification: Uncertain significance for Catecholaminergic polymorphic ventricular tachycardia 1. Last evaluated: 2024-12-17. Review status: criteria provided, single submitter. Criteria: Invitae Variant Classification Sherloc (09022015). Collection method: clinical testing. Allele origin: germline.
Comment: This sequence change replaces isoleucine, which is neutral and non-polar, with threonine, which is neutral and polar, at codon 594 of the RYR2 protein (p.Ile594Thr). The frequency data for this variant in the population databases is considered unreliable, as metrics indicate poor data quality at this position in the gnomAD database. This variant has not been reported in the literature in individuals affected with RYR2-related conditions. Invitae Evidence Modeling of protein sequence and biophysical properties (such as structural, functional, and spatial information, amino acid conservation, physicochemical variation, residue mobility, and thermodynamic stability) indicates that this missense variant is expected to disrupt RYR2 protein function with a positive predictive value of 95%. In summary, the available evidence is currently insufficient to determine the role of this variant in disease. Therefore, it has been classified as a Variant of Uncertain Significance.

NM_001035.3(RYR2):c.1781T>C (p.Ile594Thr)

Gene: RYR2 (ryanodine receptor 2; plus strand). Cytogenetic location: 1q43.
Variant type: single nucleotide variant.
Coding change: c.1781T>C on transcript NM_001035.3 (MANE Select); coding-DNA position 1781, T replaced by C.
Protein change: p.Ile594Thr; replaces isoleucine 594 with threonine.
Molecular consequence: missense variant.
Genome position (GRCh38, 1-based): chr1:237,491,878, T>C. VCF-style: chr1-237491878-T-C. GRCh37 (hg19) VCF-style: chr1-237655178-T-C.
Other names: c.1781T>C (NM_001035.2); short protein forms I594T.
Identifiers: ClinVar variation 3690566 (VCV003690566.5).
Genomic context (GRCh38, chr1:237,491,878, plus strand): 5'-TTTTACACTGTGTTTTAGTAGAAAGTCCAGAAGCTCTAAATATTATTAAAGAAGGACATA[T>C]TAAATCTATTATCTCACTTTTAGACAAACATGGAAGAAATCACAAGGTAAATGAACTATT-3'
Protein context (NP_001026.2, residues 584-604): EALNIIKEGH[Ile594Thr]KSIISLLDKH